The following is an entry in ClinVar:

ClinVar aggregate classification (germline): Uncertain significance (1 of 4 stars; one submission).

Conditions:
Hypercholesterolemia, autosomal dominant, 3 (FHCL3). Also called: PCSK9-Related Familial Hypercholesterolemia, Autosomal Dominant; Familial Hypercholesterolemia, Autosomal Dominant, 3; Familial hypercholesterolemia 3. Identifiers: MedGen C1863551, MONDO:0011369, OMIM 603776.

Submission:

All of Us Research Program, National Institutes of Health
Classification: Uncertain significance for Hypercholesterolemia, autosomal dominant, 3. Last evaluated: 2023-03-09. Review status: criteria provided, single submitter. Criteria: ACMG Guidelines, 2015. Collection method: clinical testing. Allele origin: germline. Inheritance: Autosomal dominant inheritance. Observed: 1 variant allele, 1 heterozygote.
Comment: This missense variant replaces glutamic acid with glutamine at codon 410 of the PCSK9 protein. Computational prediction suggests that this variant may not impact protein structure and function (internally defined REVEL score threshold <= 0.5, PMID: 27666373). To our knowledge, functional studies have not been reported for this variant. This variant has not been reported in individuals affected with PCSK9-related disorders in the literature. This variant has not been identified in the general population by the Genome Aggregation Database (gnomAD). The available evidence is insufficient to determine the role of this variant in disease conclusively. Therefore, this variant is classified as a Variant of Uncertain Significance.

This study involves interpretation of variants in research participants for the purpose of population health screening. Participant phenotype was not available at the time of variant classification. Additional details can be found in publication PMID: 35346344, PMCID: PMC8962531

NM_174936.4(PCSK9):c.1228G>C (p.Glu410Gln)

Gene: PCSK9 (proprotein convertase subtilisin/kexin type 9; plus strand). Cytogenetic location: 1p32.3.
Variant type: single nucleotide variant.
Coding change: c.1228G>C on transcript NM_174936.4 (MANE Select); coding-DNA position 1228, G replaced by C.
Protein change: p.Glu410Gln; replaces glutamic acid 410 with glutamine.
Molecular consequence: missense variant. On other transcripts: non-coding transcript variant (8), intron variant (2).
Genome position (GRCh38, 1-based): chr1:55,058,083, G>C. VCF-style: chr1-55058083-G-C. GRCh37 (hg19) VCF-style: chr1-55523756-G-C.
Other names: c.1351G>C, p.Glu451Gln (NM_001407240.1); c.1228G>C, p.Glu410Gln (NM_001407241.1); c.1231G>C, p.Glu411Gln (NM_001407242.1); c.1171G>C, p.Glu391Gln (NM_001407243.1); c.1036G>C, p.Glu346Gln (NM_001407245.1); c.853G>C, p.Glu285Gln (NM_001407246.1); c.1181-416G>C (NM_001407244.1); c.1180+569G>C (NM_001407247.1); short protein forms E285Q, E346Q, E391Q, E410Q, E411Q, E451Q.
Identifiers: ClinVar variation 3069805 (VCV003069805.1), dbSNP rs746085210, ClinGen allele CA340477149.
Genomic context (GRCh38, chr1:55,058,083, plus strand): 5'-ACCCCTGCACCAGGCATTGCAGCCATGATGCTGTCTGCCGAGCCGGAGCTCACCCTGGCC[G>C]AGTTGAGGCAGAGACTGATCCACTTCTCTGCCAAAGATGTCATCAATGAGGCCTGGTTCC-3'
Protein context (NP_777596.2, residues 400-420): LSAEPELTLA[Glu410Gln]LRQRLIHFSA